The following is an entry in ClinVar:

NM_006734.4(HIVEP2):c.2449T>A (p.Ser817Thr)

Gene: HIVEP2 (HIVEP zinc finger 2; minus strand). Cytogenetic location: 6q24.2.
Variant type: single nucleotide variant.
Coding change: c.2449T>A on transcript NM_006734.4 (MANE Select); coding-DNA position 2449, T replaced by A.
Protein change: p.Ser817Thr; replaces serine 817 with threonine.
Molecular consequence: missense variant.
Genome position (GRCh38, 1-based): chr6:142,772,290, A>T on the plus strand (T>A on the coding strand, the complement: HIVEP2 is on the minus strand). VCF-style: chr6-142772290-A-T. GRCh37 (hg19) VCF-style: chr6-143093427-A-T.
Other names: short protein forms S817T.
Identifiers: ClinVar variation 2227275 (VCV002227275.3), dbSNP rs1201632075, ClinGen allele CA365909170.

ClinVar aggregate classification (germline): Uncertain significance. Review status: criteria provided, multiple submitters, no conflicts (2 of 4 stars). 2 submissions from 2 submitters: Uncertain significance (2). Last evaluated 2025-09-10.

Conditions:
Inborn genetic diseases. Identifiers: MedGen C0950123, MeSH D030342.

Allele frequency attached by ClinVar (database versions not stated): gnomAD exomes below 0.00001; TOPMed 0.00001.
gnomAD v4.1: 2 of 1,614,208 alleles (0.00012%); highest among the groups gnomAD compares: Non-Finnish European, 0.00017%; no homozygotes.

Submissions (2):

Labcorp Genetics (formerly Invitae), Labcorp
Classification: Uncertain significance. Last evaluated: 2025-09-10. Review status: criteria provided, single submitter. Criteria: Invitae Variant Classification Sherloc (09022015). Collection method: clinical testing. Allele origin: germline.
Comment: This sequence change replaces serine, which is neutral and polar, with threonine, which is neutral and polar, at codon 817 of the HIVEP2 protein (p.Ser817Thr). This variant is present in population databases (no rsID available, gnomAD 0.0009%). This variant has not been reported in the literature in individuals affected with HIVEP2-related conditions. ClinVar contains an entry for this variant (Variation ID: 2227275). Invitae Evidence Modeling of protein sequence and biophysical properties (such as structural, functional, and spatial information, amino acid conservation, physicochemical variation, residue mobility, and thermodynamic stability) indicates that this missense variant is not expected to disrupt HIVEP2 protein function with a negative predictive value of 80%. In summary, the available evidence is currently insufficient to determine the role of this variant in disease. Therefore, it has been classified as a Variant of Uncertain Significance.

Ambry Genetics
Classification: Uncertain significance for Inborn genetic diseases. Last evaluated: 2020-08-11. Review status: criteria provided, single submitter. Criteria: Ambry Variant Classification Scheme 2023. Collection method: clinical testing. Allele origin: germline.
Comment: The alteration results in an amino acid change:_x000D_ _x000D_ The c.2449T>A (p.S817T) alteration is located in exon 5 (coding exon 1) of the HIVEP2 gene. This alteration results from a T to A substitution at nucleotide position 2449, causing the serine (S) at amino acid position 817 to be replaced by a threonine (T). The alteration is rare in population databases:_x000D_ _x000D_ Based on data from the Genome Aggregation Database (gnomAD) database, the HIVEP2 c.2449T>A alteration was observed in 0.0004% (1/249,570) of total alleles studied. The altered amino acid is not conserved throughout evolution:_x000D_ _x000D_ The p.S817 amino acid is not conserved in available vertebrate species. The alteration is predicted tolerated by in silico modeling:_x000D_ _x000D_ The p.S817T alteration is predicted to be tolerated by in silico analysis. Based on insufficient or conflicting evidence, the clinical significance of this alteration remains unclear.